The following is an entry in ClinVar:

ClinVar aggregate classification (germline): Uncertain significance (1 of 4 stars; one submission).

Conditions:
RYR1-related disorder. Also called: RYR1-related condition; RYR1-related disorders. Identifiers: MedGen CN239331.

Submission:

Labcorp Genetics (formerly Invitae), Labcorp
Classification: Uncertain significance for RYR1-related disorder. Last evaluated: 2025-05-06. Review status: criteria provided, single submitter. Criteria: Invitae Variant Classification Sherloc (09022015). Collection method: clinical testing. Allele origin: germline.
Comment: This sequence change replaces arginine, which is basic and polar, with leucine, which is neutral and non-polar, at codon 220 of the RYR1 protein (p.Arg220Leu). This variant is not present in population databases (gnomAD no frequency). This variant has not been reported in the literature in individuals affected with RYR1-related conditions. ClinVar contains an entry for this variant (Variation ID: 3675748). Invitae Evidence Modeling of protein sequence and biophysical properties (such as structural, functional, and spatial information, amino acid conservation, physicochemical variation, residue mobility, and thermodynamic stability) indicates that this missense variant is expected to disrupt RYR1 protein function with a positive predictive value of 95%. In summary, the available evidence is currently insufficient to determine the role of this variant in disease. Therefore, it has been classified as a Variant of Uncertain Significance.

NM_000540.3(RYR1):c.659G>T (p.Arg220Leu)

Gene: RYR1 (ryanodine receptor 1; plus strand). Cytogenetic location: 19q13.2.
Variant type: single nucleotide variant.
Coding change: c.659G>T on transcript NM_000540.3 (MANE Select); coding-DNA position 659, G replaced by T.
Protein change: p.Arg220Leu; replaces arginine 220 with leucine.
Molecular consequence: missense variant.
Genome position (GRCh38, 1-based): chr19:38,446,499, G>T. VCF-style: chr19-38446499-G-T. GRCh37 (hg19) VCF-style: chr19-38937139-G-T.
Other names: c.659G>T, p.Arg220Leu (NM_001042723.2); short protein forms R220L.
Identifiers: ClinVar variation 3675748 (VCV003675748.2).